The following is an entry in ClinVar:

ClinVar aggregate classification (germline): Uncertain significance (1 of 4 stars; one submission).

Conditions:
DiGeorge syndrome. Also called: Catch22; THIRD AND FOURTH PHARYNGEAL POUCH SYNDROME. Identifiers: Orphanet 567, MedGen C0012236, MONDO:0008564, OMIM 188400.

Submission:

Labcorp Genetics (formerly Invitae), Labcorp
Classification: Uncertain significance for DiGeorge syndrome. Last evaluated: 2022-06-14. Review status: criteria provided, single submitter. Criteria: Invitae Variant Classification Sherloc (09022015). Collection method: clinical testing. Allele origin: germline.
Comment: This sequence change replaces proline, which is neutral and non-polar, with serine, which is neutral and polar, at codon 44 of the TBX1 protein (p.Pro44Ser). This variant has not been reported in the literature in individuals affected with TBX1-related conditions. The frequency data for this variant in the population databases is considered unreliable, as metrics indicate insufficient coverage at this position in the gnomAD database. In summary, the available evidence is currently insufficient to determine the role of this variant in disease. Therefore, it has been classified as a Variant of Uncertain Significance. Algorithms developed to predict the effect of missense changes on protein structure and function are either unavailable or do not agree on the potential impact of this missense change (SIFT: "Tolerated"; PolyPhen-2: "Not Available"; Align-GVGD: "Class C0"). ClinVar contains an entry for this variant (Variation ID: 845312).

NM_001379200.1(TBX1):c.157C>T (p.Pro53Ser)

Gene: TBX1 (T-box transcription factor 1; plus strand). Cytogenetic location: 22q11.21.
Variant type: single nucleotide variant.
Coding change: c.157C>T on transcript NM_001379200.1 (MANE Select); coding-DNA position 157, C replaced by T.
Protein change: p.Pro53Ser; replaces proline 53 with serine.
Molecular consequence: missense variant.
Genome position (GRCh38, 1-based): chr22:19,761,000, C>T. VCF-style: chr22-19761000-C-T. GRCh37 (hg19) VCF-style: chr22-19748523-C-T.
Other names: c.130C>T, p.Pro44Ser (NM_005992.1, NM_080646.2, NM_080647.1); short protein forms P44S, P53S.
Identifiers: ClinVar variation 845312 (VCV000845312.5), dbSNP rs1936638931, ClinGen allele CA410681268.